The following is an entry in ClinVar:

NM_001985.3(ETFB):c.439-8C>T

Gene: ETFB (electron transfer flavoprotein subunit beta; minus strand). Cytogenetic location: 19q13.41.
Variant type: single nucleotide variant.
Coding change: c.439-8C>T on transcript NM_001985.3 (MANE Select); 8 bases into the intron before coding-DNA position 439, C replaced by T.
Molecular consequence: intron variant.
Genome position (GRCh38, 1-based): chr19:51,347,066, G>A on the plus strand (C>T on the coding strand, the complement: ETFB is on the minus strand). VCF-style: chr19-51347066-G-A. GRCh37 (hg19) VCF-style: chr19-51850320-G-A.
Other names: c.712-8C>T (NM_001014763.1).
Identifiers: ClinVar variation 2650372 (VCV002650372.26), dbSNP rs2514144391, ClinGen allele CA2695199922.
Genomic context (GRCh38, chr19:51,347,066, plus strand): 5'-CGCTCCACTTTCAACTTGTCCCCCTCCAGCGTCACCTGGGAGGCGAATGTGCCCTGGGGA[G>A]GGACAGTGTAGGAGGAGAGTGGGTGAGGCTAATTCAGGTCCGACCCGAGCAGTCTGCTTA-3'

ClinVar aggregate classification (germline): Conflicting classifications of pathogenicity. Review status: criteria provided, conflicting classifications (1 of 4 stars). 2 submissions from 2 submitters: Uncertain significance (1); Likely benign (1). Last evaluated 2024-06-19.

Conditions:
Multiple acyl-CoA dehydrogenase deficiency (MADD). Also called: ETHYLMALONIC-ADIPICACIDURIA; GA II; Glutaric aciduria, type 2; Glutaric acidemia type II; GA 2; Glutaric Acidemia type 2. Identifiers: Orphanet 26791, MedGen C0268596, MONDO:0009282, OMIM 231680.

Submissions (2):

Labcorp Genetics (formerly Invitae), Labcorp
Classification: Likely benign for Multiple acyl-CoA dehydrogenase deficiency. Last evaluated: 2024-06-19. Review status: criteria provided, single submitter. Criteria: Invitae Variant Classification Sherloc (09022015). Collection method: clinical testing. Allele origin: germline.

CeGaT Center for Human Genetics Tuebingen
Classification: Uncertain significance. Last evaluated: 2023-09-01. Review status: criteria provided, single submitter. Criteria: CeGaT Center For Human Genetics Tuebingen Variant Classification Criteria Version 2. Collection method: clinical testing. Allele origin: germline. Affected: yes. Observed: 1 variant allele.
Comment: ETFB: PM2, BP4